The following is an entry in ClinVar:

NM_015570.4(AUTS2):c.1838A>G (p.Asn613Ser)

Gene: AUTS2 (activator of transcription and developmental regulator AUTS2; plus strand). Cytogenetic location: 7q11.22.
Variant type: single nucleotide variant.
Coding change: c.1838A>G on transcript NM_015570.4 (MANE Select); coding-DNA position 1838, A replaced by G.
Protein change: p.Asn613Ser; replaces asparagine 613 with serine.
Molecular consequence: missense variant. On other transcripts: intron variant (1).
Genome position (GRCh38, 1-based): chr7:70,774,035, A>G. VCF-style: chr7-70774035-A-G. GRCh37 (hg19) VCF-style: chr7-70239021-A-G.
Other names: c.1831-1322A>G (NM_001127231.3); short protein forms N613S.
Identifiers: ClinVar variation 2235523 (VCV002235523.29), dbSNP rs774435329, ClinGen allele CA4280809.

ClinVar aggregate classification (germline): Likely benign. Review status: criteria provided, multiple submitters, no conflicts (2 of 4 stars). 3 submissions from 3 submitters: Likely benign (3). Last evaluated 2024-09-06.

Conditions:
Inborn genetic diseases. Identifiers: MedGen C0950123, MeSH D030342.

Allele frequency attached by ClinVar (database versions not stated): gnomAD 0.00002; TOPMed 0.00002; ExAC 0.00004.
gnomAD v4.1: 62 of 1,613,910 alleles (0.0038%); highest among the groups gnomAD compares: Non-Finnish European, 0.0051%; no homozygotes.

Submissions (3):

Labcorp Genetics (formerly Invitae), Labcorp
Classification: Likely benign. Last evaluated: 2024-09-06. Review status: criteria provided, single submitter. Criteria: Invitae Variant Classification Sherloc (09022015). Collection method: clinical testing. Allele origin: germline.

CeGaT Center for Human Genetics Tuebingen
Classification: Likely benign. Last evaluated: 2023-10-01. Review status: criteria provided, single submitter. Criteria: CeGaT Center For Human Genetics Tuebingen Variant Classification Criteria Version 2. Collection method: clinical testing. Allele origin: germline. Affected: yes. Observed: 1 variant allele.
Comment: AUTS2: BS1

Ambry Genetics
Classification: Likely benign for Inborn genetic diseases. Last evaluated: 2021-07-09. Review status: criteria provided, single submitter. Criteria: Ambry Variant Classification Scheme 2023. Collection method: clinical testing. Allele origin: germline.